The following is an entry in ClinVar:

ClinVar aggregate classification (germline): Uncertain significance. Review status: criteria provided, multiple submitters, no conflicts (2 of 4 stars). 2 submissions from 2 submitters: Uncertain significance (2). Last evaluated 2024-05-31.

Conditions:
Hereditary pheochromocytoma and paraganglioma. Also called: Hereditary paragangliomas and pheochromocytomas; Hereditary Paraganglioma-Pheochromocytoma Syndromes; Hereditary pheochromocytoma-paraganglioma. Identifiers: Orphanet 29072, MedGen C4274332, MONDO:0017366.
Hereditary cancer-predisposing syndrome. Also called: Tumor predisposition; Hereditary Cancer Syndrome; Hereditary neoplastic syndrome; Neoplastic Syndromes, Hereditary. Identifiers: Orphanet 140162, MedGen C0027672, MeSH D009386, MONDO:0015356.

Allele frequency attached by ClinVar (database versions not stated): gnomAD exomes below 0.00001.
gnomAD v4.1: 1 of 1,614,124 alleles (0.000062%); highest among the groups gnomAD compares: Non-Finnish European, 0.000085%; no homozygotes.

Submissions (2):

Labcorp Genetics (formerly Invitae), Labcorp
Classification: Uncertain significance for Hereditary pheochromocytoma and paraganglioma. Last evaluated: 2024-05-31. Review status: criteria provided, single submitter. Criteria: Invitae Variant Classification Sherloc (09022015). Collection method: clinical testing. Allele origin: germline.
Comment: This sequence change replaces alanine, which is neutral and non-polar, with valine, which is neutral and non-polar, at codon 150 of the TMEM127 protein (p.Ala150Val). This variant is not present in population databases (gnomAD no frequency). This variant has not been reported in the literature in individuals affected with TMEM127-related conditions. ClinVar contains an entry for this variant (Variation ID: 2093000). An algorithm developed to predict the effect of missense changes on protein structure and function (PolyPhen-2) suggests that this variant is likely to be tolerated. In summary, the available evidence is currently insufficient to determine the role of this variant in disease. Therefore, it has been classified as a Variant of Uncertain Significance.

Ambry Genetics
Classification: Uncertain significance for Hereditary cancer-predisposing syndrome. Last evaluated: 2023-11-16. Review status: criteria provided, single submitter. Criteria: Ambry Variant Classification Scheme 2023. Collection method: clinical testing. Allele origin: germline.
Comment: The p.A150V variant (also known as c.449C>T), located in coding exon 3 of the TMEM127 gene, results from a C to T substitution at nucleotide position 449. The alanine at codon 150 is replaced by valine, an amino acid with similar properties. This amino acid position is conserved. In addition, this alteration is predicted to be deleterious by in silico analysis. Since supporting evidence is limited at this time, the clinical significance of this alteration remains unclear.

NM_017849.4(TMEM127):c.449C>T (p.Ala150Val)

Gene: TMEM127 (transmembrane protein 127; minus strand). Cytogenetic location: 2q11.2.
Variant type: single nucleotide variant.
Coding change: c.449C>T on transcript NM_017849.4 (MANE Select); coding-DNA position 449, C replaced by T.
Protein change: p.Ala150Val; replaces alanine 150 with valine.
Molecular consequence: missense variant.
Genome position (GRCh38, 1-based): chr2:96,254,076, G>A on the plus strand (C>T on the coding strand, the complement: TMEM127 is on the minus strand). VCF-style: chr2-96254076-G-A. GRCh37 (hg19) VCF-style: chr2-96919814-G-A.
Other names: c.449C>T, p.Ala150Val (NM_001193304.3); c.197C>T, p.Ala66Val (NM_001407282.1, NM_001407283.1); short protein forms A150V, A66V.
Identifiers: ClinVar variation 2093000 (VCV002093000.5), dbSNP rs2467264263, ClinGen allele CA347652990.